The following is an entry in ClinVar:

NM_001195553.2(DCX):c.556C>T (p.Arg186Cys)

Gene: DCX (doublecortin; minus strand). Cytogenetic location: Xq23.
Variant type: single nucleotide variant.
Coding change: c.556C>T on transcript NM_001195553.2 (MANE Select); coding-DNA position 556, C replaced by T.
Protein change: p.Arg186Cys; replaces arginine 186 with cysteine.
Molecular consequence: missense variant.
Genome position (GRCh38, 1-based): chrX:111,401,139, G>A on the plus strand (C>T on the coding strand, the complement: DCX is on the minus strand). VCF-style: chrX-111401139-G-A. GRCh37 (hg19) VCF-style: chrX-110644367-G-A.
Other names: c.799C>T, p.Arg267Cys (NM_000555.3); c.556C>T, p.Arg186Cys (NM_001369370.1, NM_001369371.1, NM_001369372.1 and 5 more transcripts); short protein forms R186C, R267C.
Identifiers: ClinVar variation 158476 (VCV000158476.50), dbSNP rs587783562, ClinGen allele CA171992.
Genomic context (GRCh38, chrX:111,401,139, plus strand): 5'-AGTGGGCTGTCTTCTTGTTCAGAAGCACACGCACAGCCTTCCGAGGCTTCACCCCACTGC[G>A]GATGATGGTAACCAGCTTGGGGCGCACAAAGTCCTTGTTCTCCCTGGCCTGTGCACTGTT-3'
Protein context (NP_001182482.1, residues 176-196): FVRPKLVTII[Arg186Cys]SGVKPRKAVR

ClinVar aggregate classification (germline): Pathogenic. Review status: criteria provided, multiple submitters, no conflicts (2 of 4 stars). 4 submissions from 4 submitters: Pathogenic (4). Last evaluated 2024-08-26.

Conditions:
Ectopic tissue. Also called: Heterotopia. Identifiers: MedGen C0008519.

Submissions (4):

GeneDx
Classification: Pathogenic. Last evaluated: 2024-08-26. Review status: criteria provided, single submitter. Criteria: GeneDx Variant Classification Process June 2021. Collection method: clinical testing. Allele origin: germline. Affected: yes.
Comment: In silico analysis supports that this missense variant has a deleterious effect on protein structure/function; Not observed at significant frequency in large population cohorts (gnomAD); This variant is associated with the following publications: (PMID: 10770842, 10749977, 9668176, 9618162, 11175293, 23365099, 10369164, 12692530, 12390976, 34426522, 35888005, 38045215)

Labcorp Genetics (formerly Invitae), Labcorp
Classification: Pathogenic. Last evaluated: 2024-07-01. Review status: criteria provided, single submitter. Criteria: Invitae Variant Classification Sherloc (09022015). Collection method: clinical testing. Allele origin: germline.
Comment: This sequence change replaces arginine, which is basic and polar, with cysteine, which is neutral and slightly polar, at codon 186 of the DCX protein (p.Arg186Cys). This variant is not present in population databases (gnomAD no frequency). This missense change has been observed in individuals with subcortical band heterotopia (PMID: 9618162, 9668176, 10369164, 11175293). ClinVar contains an entry for this variant (Variation ID: 158476). Advanced modeling of protein sequence and biophysical properties (such as structural, functional, and spatial information, amino acid conservation, physicochemical variation, residue mobility, and thermodynamic stability) performed at Invitae indicates that this missense variant is expected to disrupt DCX protein function with a positive predictive value of 80%. This variant disrupts the p.Arg186 amino acid residue in DCX. Other variant(s) that disrupt this residue have been observed in individuals with DCX-related conditions (PMID: 31481326), which suggests that this may be a clinically significant amino acid residue. For these reasons, this variant has been classified as Pathogenic.

CeGaT Center for Human Genetics Tuebingen
Classification: Pathogenic. Last evaluated: 2021-12-01. Review status: criteria provided, single submitter. Criteria: CeGaT Center For Human Genetics Tuebingen Variant Classification Criteria Version 2. Collection method: clinical testing. Allele origin: germline. Affected: yes. Observed: 1 variant allele.

Genetic Services Laboratory, University of Chicago
Classification: Pathogenic for Abnormality of neuronal migration. Last evaluated: 2013-02-08. Review status: criteria provided, single submitter. Criteria: ACMG Guidelines, 2007. Collection method: clinical testing. Allele origin: germline. Inheritance: Autosomal dominant inheritance. Affected: yes.

Literature cited by the submitters: PubMed 9618162 (cited by Labcorp Genetics (formerly Invitae), Labcorp); PubMed 9668176 (cited by Labcorp Genetics (formerly Invitae), Labcorp); PubMed 10369164 (cited by Labcorp Genetics (formerly Invitae), Labcorp); PubMed 11175293 (cited by Labcorp Genetics (formerly Invitae), Labcorp); PubMed 31481326 (cited by Labcorp Genetics (formerly Invitae), Labcorp).